The following is an entry in ClinVar:

ClinVar aggregate classification (germline): Uncertain significance (1 of 4 stars; one submission).

Submission:

Labcorp Genetics (formerly Invitae), Labcorp
Classification: Uncertain significance. Last evaluated: 2024-10-16. Review status: criteria provided, single submitter. Criteria: Invitae Variant Classification Sherloc (09022015). Collection method: clinical testing. Allele origin: germline.
Comment: This sequence change replaces isoleucine, which is neutral and non-polar, with valine, which is neutral and non-polar, at codon 789 of the CNOT1 protein (p.Ile789Val). This variant is not present in population databases (gnomAD no frequency). This variant has not been reported in the literature in individuals affected with CNOT1-related conditions. An algorithm developed to predict the effect of missense changes on protein structure and function (PolyPhen-2) suggests that this variant is likely to be tolerated. In summary, the available evidence is currently insufficient to determine the role of this variant in disease. Therefore, it has been classified as a Variant of Uncertain Significance.

NM_016284.5(CNOT1):c.2365A>G (p.Ile789Val)

Gene: CNOT1 (CCR4-NOT transcription complex subunit 1; minus strand). Cytogenetic location: 16q21.
Variant type: single nucleotide variant.
Coding change: c.2365A>G on transcript NM_016284.5 (MANE Select); coding-DNA position 2365, A replaced by G.
Protein change: p.Ile789Val; replaces isoleucine 789 with valine.
Molecular consequence: missense variant. On other transcripts: non-coding transcript variant (1).
Genome position (GRCh38, 1-based): chr16:58,556,961, T>C on the plus strand (A>G on the coding strand, the complement: CNOT1 is on the minus strand). VCF-style: chr16-58556961-T-C. GRCh37 (hg19) VCF-style: chr16-58590865-T-C.
Other names: c.2365A>G, p.Ile789Val (NM_001265612.2, NM_206999.3); short protein forms I789V.
Identifiers: ClinVar variation 3632303 (VCV003632303.2).